The following is an entry in ClinVar:

NM_032776.3(JMJD1C):c.3743A>G (p.Gln1248Arg)

Gene: JMJD1C (jumonji domain containing 1C; minus strand). Cytogenetic location: 10q21.3.
Variant type: single nucleotide variant.
Coding change: c.3743A>G on transcript NM_032776.3 (MANE Select); coding-DNA position 3743, A replaced by G.
Protein change: p.Gln1248Arg; replaces glutamine 1248 with arginine.
Molecular consequence: missense variant. On other transcripts: non-coding transcript variant (1).
Genome position (GRCh38, 1-based): chr10:63,207,926, T>C on the plus strand (A>G on the coding strand, the complement: JMJD1C is on the minus strand). VCF-style: chr10-63207926-T-C. GRCh37 (hg19) VCF-style: chr10-64967686-T-C.
Other names: c.3629A>G, p.Gln1210Arg (NM_001322252.2); c.3086A>G, p.Gln1029Arg (NM_001322254.2, NM_001322258.2); c.3197A>G, p.Gln1066Arg (NM_001282948.2, NM_001318154.2); c.2879A>G, p.Gln960Arg (NM_001318153.2); short protein forms Q1029R, Q1066R, Q1210R, Q1248R, Q960R.
Identifiers: ClinVar variation 1059269 (VCV001059269.9), dbSNP rs756816527, ClinGen allele CA208371918.

ClinVar aggregate classification (germline): Uncertain significance (1 of 4 stars; one submission).

Conditions:
Early Myoclonic Encephalopathy. Identifiers: MedGen C0270855.

Allele frequency attached by ClinVar (database versions not stated): TOPMed below 0.00001; gnomAD exomes below 0.00001.
gnomAD v4.1: 3 of 1,614,196 alleles (0.00019%); highest among the groups gnomAD compares: Non-Finnish European, 0.00025%; no homozygotes.

Submission:

Labcorp Genetics (formerly Invitae), Labcorp
Classification: Uncertain significance for Early Myoclonic Encephalopathy. Last evaluated: 2023-10-03. Review status: criteria provided, single submitter. Criteria: Invitae Variant Classification Sherloc (09022015). Collection method: clinical testing. Allele origin: germline.
Comment: This sequence change replaces glutamine, which is neutral and polar, with arginine, which is basic and polar, at codon 1248 of the JMJD1C protein (p.Gln1248Arg). This variant is not present in population databases (gnomAD no frequency). This missense change has been observed in individual(s) with intellectual disability (PMID: 26181491). ClinVar contains an entry for this variant (Variation ID: 1059269). Advanced modeling of protein sequence and biophysical properties (such as structural, functional, and spatial information, amino acid conservation, physicochemical variation, residue mobility, and thermodynamic stability) performed at Invitae indicates that this missense variant is expected to disrupt JMJD1C protein function. In summary, the available evidence is currently insufficient to determine the role of this variant in disease. Therefore, it has been classified as a Variant of Uncertain Significance.

Literature cited by the submitters: PubMed 26181491.